The following is an entry in ClinVar:

NM_020461.4(TUBGCP6):c.5254A>G (p.Ile1752Val)

Gene: TUBGCP6 (tubulin gamma complex component 6; minus strand). Cytogenetic location: 22q13.33.
Variant type: single nucleotide variant.
Coding change: c.5254A>G on transcript NM_020461.4 (MANE Select); coding-DNA position 5254, A replaced by G.
Protein change: p.Ile1752Val; replaces isoleucine 1752 with valine.
Molecular consequence: missense variant.
Genome position (GRCh38, 1-based): chr22:50,218,032, T>C on the plus strand (A>G on the coding strand, the complement: TUBGCP6 is on the minus strand). VCF-style: chr22-50218032-T-C. GRCh37 (hg19) VCF-style: chr22-50656461-T-C.
Other names: c.5254A>G (NM_020461.3); short protein forms I1752V.
Identifiers: ClinVar variation 1902419 (VCV001902419.7), dbSNP rs140456896, ClinGen allele CA10307108.

ClinVar aggregate classification (germline): Uncertain significance. Review status: criteria provided, multiple submitters, no conflicts (2 of 4 stars). 2 submissions from 2 submitters: Uncertain significance (2). Last evaluated 2025-10-13.

Conditions:
Inborn genetic diseases. Identifiers: MedGen C0950123, MeSH D030342.

Allele frequency attached by ClinVar (database versions not stated): gnomAD 0.00001; ExAC 0.00002; TOPMed 0.00004; ESP Exome Variant Server 0.00008; 1000 Genomes Project 0.00020; 1000 Genomes Project 30x 0.00031.
gnomAD v4.1: 16 of 1,612,678 alleles (0.00099%); highest among the groups gnomAD compares: African/African-American, 0.019%; no homozygotes.

Submissions (2):

Labcorp Genetics (formerly Invitae), Labcorp
Classification: Uncertain significance. Last evaluated: 2025-10-13. Review status: criteria provided, single submitter. Criteria: Invitae Variant Classification Sherloc (09022015). Collection method: clinical testing. Allele origin: germline.
Comment: This sequence change replaces isoleucine, which is neutral and non-polar, with valine, which is neutral and non-polar, at codon 1752 of the TUBGCP6 protein (p.Ile1752Val). This variant is present in population databases (rs140456896, gnomAD 0.01%). This variant has not been reported in the literature in individuals affected with TUBGCP6-related conditions. ClinVar contains an entry for this variant (Variation ID: 1902419). An algorithm developed to predict the effect of missense changes on protein structure and function (PolyPhen-2) suggests that this variant is likely to be disruptive. In summary, the available evidence is currently insufficient to determine the role of this variant in disease. Therefore, it has been classified as a Variant of Uncertain Significance.

Ambry Genetics
Classification: Uncertain significance for Inborn genetic diseases. Last evaluated: 2023-01-06. Review status: criteria provided, single submitter. Criteria: Ambry Variant Classification Scheme 2023. Collection method: clinical testing. Allele origin: germline.